The following is an entry in ClinVar:

ClinVar aggregate classification (germline): Pathogenic (1 of 4 stars; one submission).

Submission:

GeneDx
Classification: Pathogenic. Last evaluated: 2018-01-08. Review status: criteria provided, single submitter. Criteria: GeneDx Variant Classification (06012015). Collection method: clinical testing. Allele origin: germline. Affected: yes.
Comment: The W1354X pathogenic variant in the FBN1 gene has not been reported as a pathogenic or benign to our knowledge. W1354X is predicted to cause loss of normal protein function either by protein truncation or nonsense-mediated mRNA decay. Several other downstream nonsense variants in the FBN1 gene have been reported in Human Gene Mutation Database in association with Marfan syndrome (Stenson et al., 2014). Furthermore, the W1354X variant is not observed in large population cohorts (Lek et al., 2016).

NM_000138.5(FBN1):c.4062G>A (p.Trp1354Ter)

Gene: FBN1 (fibrillin 1; minus strand). Cytogenetic location: 15q21.1.
Variant type: single nucleotide variant.
Coding change: c.4062G>A on transcript NM_000138.5 (MANE Select); coding-DNA position 4062, G replaced by A.
Protein change: p.Trp1354Ter; replaces tryptophan 1354 with a stop codon.
Molecular consequence: nonsense.
Genome position (GRCh38, 1-based): chr15:48,474,553, C>T on the plus strand (G>A on the coding strand, the complement: FBN1 is on the minus strand). VCF-style: chr15-48474553-C-T. GRCh37 (hg19) VCF-style: chr15-48766750-C-T.
Other names: p.W1354X:TGG>TGA; short protein forms W1354*.
Identifiers: ClinVar variation 200033 (VCV000200033.2), dbSNP rs794728215, ClinGen allele CA014736.